The following is an entry in ClinVar:

NM_006231.4(POLE):c.2627_2628del (p.Phe876fs)

Gene: POLE (DNA polymerase epsilon, catalytic subunit; minus strand). Cytogenetic location: 12q24.33.
Variant type: Deletion.
Coding change: c.2627_2628del on transcript NM_006231.4 (MANE Select); coding-DNA positions 2627 to 2628, 2 bases deleted (TT; older notation c.2627_2628delTT).
Protein change: p.Phe876fs; shifts the reading frame from phenylalanine 876.
Molecular consequence: frameshift variant.
Genome position (GRCh38, 1-based): chr12:132,664,082-132,664,083, AA deleted on the plus strand (TT on the coding strand, the reverse complement: POLE is on the minus strand); deleting any 2 consecutive bases within chr12:132,664,082-132,664,085 gives the same sequence; the c. name uses the placement nearest the transcript's 3' end. VCF-style (leftmost placement, unchanged base first): chr12-132664081-CAA-C. GRCh37 (hg19) VCF-style: chr12-133240667-CAA-C.
Other names: short protein forms F876fs.
Identifiers: ClinVar variation 3654841 (VCV003654841.2).
Genomic context (GRCh38, chr12:132,664,081, plus strand): 5'-ACATGGCGCCTGGGTAGGAGATGGTCACTTTGGGCTTCTTCACATTGGTCGTCTTGAAGA[CAA>C]AATTTTCTGGGAAGCTGTTGGGCAGGACGCACCATATACCATCTGTGTCCAGCTCTAAGG-3'

ClinVar aggregate classification (germline): Pathogenic (1 of 4 stars; one submission).

Submission:

Labcorp Genetics (formerly Invitae), Labcorp
Classification: Pathogenic. Last evaluated: 2024-05-28. Review status: criteria provided, single submitter. Criteria: Invitae Variant Classification Sherloc (09022015). Collection method: clinical testing. Allele origin: germline.
Comment: This sequence change creates a premature translational stop signal (p.Phe876Cysfs*32) in the POLE gene. It is expected to result in an absent or disrupted protein product. Loss-of-function variants in POLE are known to be pathogenic (PMID: 23230001, 25948378, 30503519). This variant is not present in population databases (gnomAD no frequency). This variant has not been reported in the literature in individuals affected with POLE-related conditions. For these reasons, this variant has been classified as Pathogenic.

Literature cited by the submitters: PubMed 23230001; PubMed 25948378; PubMed 30503519.